The following is an entry in ClinVar:

ClinVar aggregate classification (germline): Likely benign (1 of 4 stars; one submission).

Allele frequency attached by ClinVar (database versions not stated): gnomAD exomes 0.00139; gnomAD 0.01440; TOPMed 0.01713; 1000 Genomes Project 30x 0.01749; 1000 Genomes Project 0.01757.
gnomAD v4.1: 4,269 of 1,574,510 alleles (0.27%); highest among the groups gnomAD compares: African/African-American, 4.9%; 85 homozygotes.

Submission:

GeneDx
Classification: Likely benign. Last evaluated: 2020-02-03. Review status: criteria provided, single submitter. Criteria: GeneDx Variant Classification Process June 2021. Collection method: clinical testing. Allele origin: germline. Affected: yes.
Comment: See Variant Classification Assertion Criteria.

NM_000512.5(GALNS):c.758+94C>T

Gene: GALNS (galactosamine (N-acetyl)-6-sulfatase; minus strand). Cytogenetic location: 16q24.3.
Variant type: single nucleotide variant.
Coding change: c.758+94C>T on transcript NM_000512.5 (MANE Select); 94 bases into the intron after coding-DNA position 758, C replaced by T.
Molecular consequence: intron variant.
Genome position (GRCh38, 1-based): chr16:88,835,631, G>A on the plus strand (C>T on the coding strand, the complement: GALNS is on the minus strand). VCF-style: chr16-88835631-G-A. GRCh37 (hg19) VCF-style: chr16-88902039-G-A.
Other names: c.203+94C>T (NM_001323543.2); c.776+94C>T (NM_001323544.2).
Identifiers: ClinVar variation 1707200 (VCV001707200.2), dbSNP rs75363000, ClinGen allele CA286402694.
Genomic context (GRCh38, chr16:88,835,631, plus strand): 5'-CTGATCCCAGGCCAGTGGACGGCTTCAAAGGGGTGGGGTTGCTCTGGCCTTTCCATAATT[G>A]GCCTAAATGCCACGGTACTGAGTGTCCCATCTCTGGAGTCAAGCACAGCTGGGGCCTCCA-3'